The following is an entry in ClinVar:

ClinVar aggregate classification (germline): Uncertain significance (1 of 4 stars; one submission).

Conditions:
Hereditary cancer-predisposing syndrome. Also called: Neoplastic Syndromes, Hereditary; Tumor predisposition; Hereditary Cancer Syndrome; Hereditary neoplastic syndrome. Identifiers: Orphanet 140162, MedGen C0027672, MeSH D009386, MONDO:0015356.

Submission:

Ambry Genetics
Classification: Uncertain significance for Hereditary cancer-predisposing syndrome. Last evaluated: 2022-04-19. Review status: criteria provided, single submitter. Criteria: Ambry Variant Classification Scheme 2023. Collection method: clinical testing. Allele origin: germline.
Comment: The p.V285G variant (also known as c.854T>G), located in coding exon 7 of the EPCAM gene, results from a T to G substitution at nucleotide position 854. The valine at codon 285 is replaced by glycine, an amino acid with dissimilar properties. This amino acid position is conserved. In addition, this alteration is predicted to be deleterious by in silico analysis. Since supporting evidence is limited at this time, the clinical significance of this alteration remains unclear.

NM_002354.3(EPCAM):c.854T>G (p.Val285Gly)

Gene: EPCAM (epithelial cell adhesion molecule; plus strand). Cytogenetic location: 2p21.
Variant type: single nucleotide variant.
Coding change: c.854T>G on transcript NM_002354.3 (MANE Select); coding-DNA position 854, T replaced by G.
Protein change: p.Val285Gly; replaces valine 285 with glycine.
Molecular consequence: missense variant.
Genome position (GRCh38, 1-based): chr2:47,379,965, T>G. VCF-style: chr2-47379965-T-G. GRCh37 (hg19) VCF-style: chr2-47607104-T-G.
Other names: short protein forms V285G.
Identifiers: ClinVar variation 1763824 (VCV001763824.3), dbSNP rs1196200341, ClinGen allele CA346724954.